The following is an entry in ClinVar:

ClinVar aggregate classification (germline): Uncertain significance. Review status: criteria provided, multiple submitters, no conflicts (2 of 4 stars). 2 submissions from 2 submitters: Uncertain significance (2). Last evaluated 2025-05-14.

Conditions:
Inborn genetic diseases. Identifiers: MedGen C0950123, MeSH D030342.

Allele frequency attached by ClinVar (database versions not stated): gnomAD exomes below 0.00001 and 0.00001; gnomAD 0.00001; TOPMed 0.00001.

Submissions (2):

Ambry Genetics
Classification: Uncertain significance for Inborn genetic diseases. Last evaluated: 2025-05-14. Review status: criteria provided, single submitter. Criteria: Ambry Variant Classification Scheme 2023. Collection method: clinical testing. Allele origin: germline.

Labcorp Genetics (formerly Invitae), Labcorp
Classification: Uncertain significance. Last evaluated: 2024-11-19. Review status: criteria provided, single submitter. Criteria: Invitae Variant Classification Sherloc (09022015). Collection method: clinical testing. Allele origin: germline.
Comment: This sequence change replaces arginine, which is basic and polar, with cysteine, which is neutral and slightly polar, at codon 129 of the NDUFB11 protein (p.Arg129Cys). This variant is present in population databases (no rsID available, gnomAD 0.001%). This variant has not been reported in the literature in individuals affected with NDUFB11-related conditions. ClinVar contains an entry for this variant (Variation ID: 1356793). An algorithm developed to predict the effect of missense changes on protein structure and function outputs the following: PolyPhen-2: "Benign". The cysteine amino acid residue is found in multiple mammalian species, which suggests that this missense change does not adversely affect protein function. In summary, the available evidence is currently insufficient to determine the role of this variant in disease. Therefore, it has been classified as a Variant of Uncertain Significance.

NM_001135998.3(NDUFB11):c.355C>T (p.Arg119Cys)

Gene: NDUFB11 (NADH:ubiquinone oxidoreductase subunit B11; minus strand). Cytogenetic location: Xp11.3.
Variant type: single nucleotide variant.
Coding change: c.355C>T on transcript NM_001135998.3 (MANE Select); coding-DNA position 355, C replaced by T.
Protein change: p.Arg119Cys; replaces arginine 119 with cysteine.
Molecular consequence: missense variant.
Genome position (GRCh38, 1-based): chrX:47,142,424, G>A on the plus strand (C>T on the coding strand, the complement: NDUFB11 is on the minus strand). VCF-style: chrX-47142424-G-A. GRCh37 (hg19) VCF-style: chrX-47001823-G-A.
Other names: c.385C>T, p.Arg129Cys (NM_019056.7); c.385C>T (NM_019056.5); short protein forms R119C, R129C.
Identifiers: ClinVar variation 1356793 (VCV001356793.5), dbSNP rs1253291602, ClinGen allele CA412780275.
Genomic context (GRCh38, chrX:47,142,424, plus strand): 5'-ATTCCATGATGGGAAGGCCATTGGCCTCTCGGTATTTCACAAGCCTCTCAGCTTCGCGGC[G>A]GGACCACTCTTTCATCCTGGTAGTGCAAATAGCAGGGGTAGACGTGAGGGAGCCTCAACT-3'
Protein context (NP_001129470.1, residues 109-129): LPDYRMKEWS[Arg119Cys]REAERLVKYR